The following is an entry in ClinVar:

NM_000349.3(STAR):c.504C>T (p.His168=)

Gene: STAR (steroidogenic acute regulatory protein; minus strand). Cytogenetic location: 8p11.23.
Variant type: single nucleotide variant.
Coding change: c.504C>T on transcript NM_000349.3 (MANE Select); coding-DNA position 504, C replaced by T.
Protein change: p.His168=; no amino-acid change (histidine 168 retained).
Molecular consequence: synonymous variant.
Genome position (GRCh38, 1-based): chr8:38,146,109, G>A on the plus strand (C>T on the coding strand, the complement: STAR is on the minus strand). VCF-style: chr8-38146109-G-A. GRCh37 (hg19) VCF-style: chr8-38003627-G-A.
Identifiers: ClinVar variation 362844 (VCV000362844.18), dbSNP rs147138315, ClinGen allele CA4715222.

ClinVar aggregate classification (germline): Conflicting classifications of pathogenicity. Review status: criteria provided, conflicting classifications (1 of 4 stars). 5 submissions from 5 submitters: Uncertain significance (1); Benign (1); Likely benign (1). 2 of the submissions do not count toward it. Last evaluated 2026-01-13.

Conditions:
Congenital lipoid adrenal hyperplasia due to STAR deficency. Also called: Cholesterol monooxygenase (side-chain cleaving) deficiency; Congenital Lipoid Adrenal Hyperplasia; Lipoid adrenal hyperplasia; ADRENAL HYPERPLASIA I. Identifiers: Orphanet 418, Orphanet 90790, MedGen C0342474, MONDO:0008725, OMIM 201710.
STAR-related disorder. Also called: STAR-related condition.

Allele frequency attached by ClinVar (database versions not stated): ExAC 0.00043; gnomAD 0.00127 and 0.00134; 1000 Genomes Project 0.00140; TOPMed 0.00141; ESP Exome Variant Server 0.00161; 1000 Genomes Project 30x 0.00187.
gnomAD v4.1: 515 of 1,614,146 alleles (0.032%); highest among the groups gnomAD compares: African/African-American, 0.41%; 3 homozygotes.

Submissions (5):

Labcorp Genetics (formerly Invitae), Labcorp
Classification: Benign. Last evaluated: 2026-01-13. Review status: criteria provided, single submitter. Criteria: Invitae Variant Classification Sherloc (09022015). Collection method: clinical testing. Allele origin: germline.

Blueprint Genetics
Classification: Likely benign. Last evaluated: 2024-09-05. Review status: criteria provided, single submitter. Criteria: ACMG Guidelines, 2015. Collection method: clinical testing. Allele origin: germline.

Illumina Laboratory Services, Illumina
Classification: Uncertain significance for Congenital lipoid adrenal hyperplasia due to STAR deficency. Last evaluated: 2018-01-12. Review status: criteria provided, single submitter. Criteria: ICSL Variant Classification Criteria 13 December 2019. Collection method: clinical testing. Allele origin: germline.

PreventionGenetics, part of Exact Sciences
Classification: Likely benign for STAR-related condition. Last evaluated: 2023-04-02. Review status: no assertion criteria provided. Collection method: clinical testing. Allele origin: germline. Not counted in ClinVar's aggregate classification.
Comment: This variant is classified as likely benign based on ACMG/AMP sequence variant interpretation guidelines (Richards et al. 2015 PMID: 25741868, with internal and published modifications).

Natera, Inc.
Classification: Likely benign for Congenital lipoid adrenal hyperplasia. Last evaluated: 2020-06-07. Review status: no assertion criteria provided. Collection method: clinical testing. Allele origin: germline. Not counted in ClinVar's aggregate classification.